The following is an entry in ClinVar:

ClinVar aggregate classification (germline): Pathogenic (1 of 4 stars; one submission).

Conditions:
Polycystic kidney disease 4 (PKD4). Also called: Autosomal Recessive Polycystic Kidney Disease – PKHD1; POLYCYSTIC KIDNEY AND HEPATIC DISEASE 1; POLYCYSTIC KIDNEY DISEASE, INFANTILE, TYPE I; POLYCYSTIC KIDNEY DISEASE 4 WITH OR WITHOUT POLYCYSTIC LIVER DISEASE; PKD3. Identifiers: MedGen C4540575, MONDO:0033004, OMIM 263200.

Submission:

Juno Genomics, Hangzhou Juno Genomics, Inc
Classification: Pathogenic for Polycystic kidney disease 4. Review status: criteria provided, single submitter. Criteria: ACMG Guidelines, 2015. Collection method: clinical testing. Allele origin: germline.
Comment: Null variant in a gene where loss of function (LOF) is a known mechanism of disease.;Absent from controls (or at extremely low frequency if recessive) in Genome Aggregation Database.;For recessive disorders, detected in trans with a pathogenic variant.;Patient's phenotype or family history is highly specific for a disease with a single genetic etiology.

NM_138694.4(PKHD1):c.3463_3464del (p.Gln1155fs)

Gene: PKHD1 (PKHD1 ciliary IPT domain containing fibrocystin/polyductin; minus strand). Cytogenetic location: 6p12.2.
Variant type: Microsatellite.
Coding change: c.3463_3464del on transcript NM_138694.4 (MANE Select); coding-DNA positions 3463 to 3464, 2 bases deleted (CA; older notation c.3463_3464delCA).
Protein change: p.Gln1155fs; shifts the reading frame from glutamine 1155.
Molecular consequence: frameshift variant.
Genome position (GRCh38, 1-based): chr6:52,028,252-52,028,253, TG deleted on the plus strand (CA on the coding strand, the reverse complement: PKHD1 is on the minus strand); deleting any 2 consecutive bases within chr6:52,028,252-52,028,259 gives the same sequence; the c. name uses the placement nearest the transcript's 3' end. VCF-style (leftmost placement, unchanged base first): chr6-52028251-CTG-C. GRCh37 (hg19) VCF-style: chr6-51893049-CTG-C.
Other names: c.3463_3464del, p.Gln1155fs (NM_170724.3); short protein forms Q1155fs.
Identifiers: ClinVar variation 3382696 (VCV003382696.4).